The following is an entry in ClinVar:

NM_003442.6(ZNF143):c.1084C>T (p.Pro362Ser)

Gene: ZNF143 (zinc finger protein 143; plus strand). Cytogenetic location: 11p15.4.
Variant type: single nucleotide variant.
Coding change: c.1084C>T on transcript NM_003442.6 (MANE Select); coding-DNA position 1084, C replaced by T.
Protein change: p.Pro362Ser; replaces proline 362 with serine.
Molecular consequence: missense variant.
Genome position (GRCh38, 1-based): chr11:9,501,207, C>T. VCF-style: chr11-9501207-C-T. GRCh37 (hg19) VCF-style: chr11-9522754-C-T.
Other names: c.1081C>T, p.Pro361Ser (NM_001282656.2); c.991C>T, p.Pro331Ser (NM_001282657.2); short protein forms P331S, P361S, P362S.
Identifiers: ClinVar variation 4719491 (VCV004719491.1).

ClinVar aggregate classification (germline): Uncertain significance (1 of 4 stars; one submission).

Submission:

Labcorp Genetics (formerly Invitae), Labcorp
Classification: Uncertain significance. Last evaluated: 2025-05-13. Review status: criteria provided, single submitter. Criteria: Invitae Variant Classification Sherloc (09022015). Collection method: clinical testing. Allele origin: germline.
Comment: This sequence change replaces proline, which is neutral and non-polar, with serine, which is neutral and polar, at codon 362 of the ZNF143 protein (p.Pro362Ser). This variant is not present in population databases (gnomAD no frequency). This variant has not been reported in the literature in individuals affected with ZNF143-related conditions. An algorithm developed to predict the effect of missense changes on protein structure and function (PolyPhen-2) suggests that this variant is likely to be tolerated. In summary, the available evidence is currently insufficient to determine the role of this variant in disease. Therefore, it has been classified as a Variant of Uncertain Significance.